The following is an entry in ClinVar:

NM_003098.3(SNTA1):c.49G>A (p.Ala17Thr)

Genes: SNTA1 (syntrophin alpha 1; minus strand), LOC130065680 (ATAC-STARR-seq lymphoblastoid silent region 12812; plus strand). Cytogenetic location: 20q11.21.
Variant type: single nucleotide variant.
Coding change: c.49G>A on transcript NM_003098.3 (MANE Select); coding-DNA position 49, G replaced by A.
Protein change: p.Ala17Thr; replaces alanine 17 with threonine.
Molecular consequence: missense variant.
Genome position (GRCh38, 1-based): chr20:33,443,572, C>T on the plus strand (G>A on the coding strand, the complement: SNTA1 is on the minus strand). VCF-style: chr20-33443572-C-T. GRCh37 (hg19) VCF-style: chr20-32031378-C-T.
Other names: short protein forms A17T.
Identifiers: ClinVar variation 1507973 (VCV001507973.6), dbSNP rs1362176861, ClinGen allele CA408634718.

ClinVar aggregate classification (germline): Uncertain significance (1 of 4 stars; one submission).

Conditions:
Long QT syndrome (LQTS). Identifiers: MedGen C0023976, MeSH D008133, MONDO:0002442. Disease mechanism: loss of function. Inheritance: Various modes of inheritance.

Allele frequency attached by ClinVar (database versions not stated): TOPMed 0.00001.

Submission:

Labcorp Genetics (formerly Invitae), Labcorp
Classification: Uncertain significance for Long QT syndrome. Last evaluated: 2024-02-17. Review status: criteria provided, single submitter. Criteria: Invitae Variant Classification Sherloc (09022015). Collection method: clinical testing. Allele origin: germline.
Comment: This sequence change replaces alanine, which is neutral and non-polar, with threonine, which is neutral and polar, at codon 17 of the SNTA1 protein (p.Ala17Thr). This variant is not present in population databases (gnomAD no frequency). This missense change has been observed in individual(s) with clinical features of long-QT syndrome (PMID: 31737537). ClinVar contains an entry for this variant (Variation ID: 1507973). Algorithms developed to predict the effect of missense changes on protein structure and function output the following: SIFT: "Not Available"; PolyPhen-2: "Benign"; Align-GVGD: "Not Available". The threonine amino acid residue is found in multiple mammalian species, which suggests that this missense change does not adversely affect protein function. In summary, the available evidence is currently insufficient to determine the role of this variant in disease. Therefore, it has been classified as a Variant of Uncertain Significance.

Literature cited by the submitters: PubMed 31737537.